The following is an entry in ClinVar:

ClinVar aggregate classification (germline): Uncertain significance (1 of 4 stars; one submission).

Submission:

GeneDx
Classification: Uncertain significance. Last evaluated: 2026-03-10. Review status: criteria provided, single submitter. Criteria: GeneDx Variant Classification Process June 2021. Collection method: clinical testing. Allele origin: germline.
Comment: Not observed at significant frequency in large population cohorts (gnomAD); In silico analysis supports that this missense variant has a deleterious effect on protein structure/function; Has not been previously published as pathogenic or benign to our knowledge

NM_020987.5(ANK3):c.12379C>G (p.Pro4127Ala)

Gene: ANK3 (ankyrin 3; minus strand). Cytogenetic location: 10q21.2.
Variant type: single nucleotide variant.
Coding change: c.12379C>G on transcript NM_020987.5 (MANE Select); coding-DNA position 12379, C replaced by G.
Protein change: p.Pro4127Ala; replaces proline 4127 with alanine.
Molecular consequence: missense variant.
Genome position (GRCh38, 1-based): chr10:60,064,229, G>C on the plus strand (C>G on the coding strand, the complement: ANK3 is on the minus strand). VCF-style: chr10-60064229-G-C. GRCh37 (hg19) VCF-style: chr10-61823987-G-C.
Other names: c.1942C>G, p.Pro648Ala (NM_001149.4); c.4522C>G, p.Pro1508Ala (NM_001204403.2); c.4543C>G, p.Pro1515Ala (NM_001204404.2); c.4540C>G, p.Pro1514Ala (NM_001320874.2); short protein forms P1514A, P4127A, P648A, P1515A, P1508A.
Identifiers: ClinVar variation 5008945 (VCV005008945.1).